The following is an entry in ClinVar:

NM_000352.6(ABCC8):c.1774del (p.Leu592fs)

Gene: ABCC8 (ATP binding cassette subfamily C member 8; minus strand). Cytogenetic location: 11p15.1.
Variant type: Deletion.
Coding change: c.1774del on transcript NM_000352.6 (MANE Select); coding-DNA position 1774, one base deleted (C; older notation c.1774delC).
Protein change: p.Leu592fs; shifts the reading frame from leucine 592.
Molecular consequence: frameshift variant. On other transcripts: non-coding transcript variant (1).
Genome position (GRCh38, 1-based): chr11:17,430,857, G deleted on the plus strand (C on the coding strand, the reverse complement: ABCC8 is on the minus strand); the first of 2 consecutive G bases (chr11:17,430,857-17,430,858); deleting either gives the same sequence. VCF-style (leftmost placement, unchanged base first): chr11-17430856-AG-A. GRCh37 (hg19) VCF-style: chr11-17452403-AG-A.
Other names: c.1774del, p.Leu592fs (NM_001287174.3, NM_001351295.2); c.1771del, p.Leu591fs (NM_001351296.2, NM_001351297.2); short protein forms L591fs, L592fs.
Identifiers: ClinVar variation 4818238 (VCV004818238.1).
Genomic context (GRCh38, chr11:17,430,856, plus strand): 5'-CCCGGACCCTCCCCTCACCTCACTAGAGCTTTGACGGTAGATCGGACCACACTGGACAGC[AG>A]GAACAGCGGTGTGACCAAGATATGGAAGAGGGAGAGGGAGGCAAAGGCCACGGAGGGCGA-3'

ClinVar aggregate classification (germline): Pathogenic (1 of 4 stars; one submission).

Conditions:
Hereditary hyperinsulinism.

Submission:

Natera, Inc.
Classification: Pathogenic for Hereditary hyperinsulinism. Last evaluated: 2025-11-24. Review status: criteria provided, single submitter. Criteria: Natera Variant Classification Schema (03/2026). Collection method: clinical testing. Allele origin: germline.
Comment: The c.1774del variant in ABCC8 is a frameshift variant predicted to shift the reading frame beginning at codon 592 and leads to a stop codon 13 codons downstream. This variant is expected to result in nonsense mediated decay, truncation, or a dysfunctional protein product. This variant is rare in the general population with a frequency below the threshold expected for the associated phenotype(s). This variant has been observed in one or more individuals affected with the associated recessive disease, as either homozygous or compound heterozygous with a second variant (PMID: 23067144). Given the available evidence, this variant is classified as Pathogenic.

Literature cited by the submitters: PubMed 23067144.